The following is an entry in ClinVar:

NM_014956.5(CEP164):c.2263C>G (p.Leu755Val)

Gene: CEP164 (centrosomal protein 164; plus strand). Cytogenetic location: 11q23.3.
Variant type: single nucleotide variant.
Coding change: c.2263C>G on transcript NM_014956.5 (MANE Select); coding-DNA position 2263, C replaced by G.
Protein change: p.Leu755Val; replaces leucine 755 with valine.
Molecular consequence: missense variant.
Genome position (GRCh38, 1-based): chr11:117,391,195, C>G. VCF-style: chr11-117391195-C-G. GRCh37 (hg19) VCF-style: chr11-117261911-C-G.
Other names: c.2272C>G, p.Leu758Val (NM_001271933.2, NM_001440949.1); c.2263C>G, p.Leu755Val (NM_001440950.1, NM_001440951.1, NM_001440953.1); c.2098C>G, p.Leu700Val (NM_001440952.1, NM_001440968.1, NM_001440969.1); c.2185C>G, p.Leu729Val (NM_001440954.1, NM_001440955.1, NM_001440958.1 and 1 more transcripts); c.2176C>G, p.Leu726Val (NM_001440956.1, NM_001440957.1); c.2134C>G, p.Leu712Val (NM_001440960.1); c.2125C>G, p.Leu709Val (NM_001440961.1, NM_001440967.1); c.2116C>G, p.Leu706Val (NM_001440962.1, NM_001440963.1, NM_001440964.1 and 4 more transcripts); and 7 more; short protein forms L610V, L700V, L709V, L755V, L636V, L712V, L630V, L685V.
Identifiers: ClinVar variation 5001272 (VCV005001272.1).

ClinVar aggregate classification (germline): Uncertain significance (1 of 4 stars; one submission).

Conditions:
CEP164-related disorder. Also called: CEP164-related condition.

gnomAD v4.1: 7 of 1,611,126 alleles (0.00043%); highest among the groups gnomAD compares: Non-Finnish European, 0.00059%; no homozygotes.

Submission:

PreventionGenetics, part of Exact Sciences
Classification: Uncertain significance for CEP164-related condition. Last evaluated: 2025-01-13. Review status: criteria provided, single submitter. Criteria: ACMG Guidelines, 2015. Collection method: clinical testing. Allele origin: germline.
Comment: The CEP164 c.2263C>G variant is predicted to result in the amino acid substitution p.Leu755Val. To our knowledge, this variant has not been reported in the literature. This variant is reported in 0.00091% of alleles in individuals of European (Non-Finnish) descent in gnomAD. At this time, the clinical significance of this variant is uncertain due to the absence of conclusive functional and genetic evidence.